The following is an entry in ClinVar:

NM_000069.3(CACNA1S):c.86G>A (p.Arg29Gln)

Gene: CACNA1S (calcium voltage-gated channel subunit alpha1 S; minus strand). Cytogenetic location: 1q32.1.
Variant type: single nucleotide variant.
Coding change: c.86G>A on transcript NM_000069.3 (MANE Select); coding-DNA position 86, G replaced by A.
Protein change: p.Arg29Gln; replaces arginine 29 with glutamine.
Molecular consequence: missense variant.
Genome position (GRCh38, 1-based): chr1:201,112,254, C>T on the plus strand (G>A on the coding strand, the complement: CACNA1S is on the minus strand). VCF-style: chr1-201112254-C-T. GRCh37 (hg19) VCF-style: chr1-201081382-C-T.
Other names: short protein forms R29Q.
Identifiers: ClinVar variation 657067 (VCV000657067.21), dbSNP rs758594181, ClinGen allele CA084025.

ClinVar aggregate classification (germline): Conflicting classifications of pathogenicity. Review status: criteria provided, conflicting classifications (1 of 4 stars). 5 submissions from 5 submitters: Uncertain significance (4); Benign (1). Last evaluated 2026-07-01.

Conditions:
Malignant hyperthermia, susceptibility to, 5 (MHS5). Also called: CACNA1S-Related Malignant Hyperthermia Susceptibility. Identifiers: Orphanet 423, MedGen C1866077, MONDO:0011163, OMIM 601887.
Hypokalemic periodic paralysis, type 1. Also called: Hypokalemic Periodic Paralysis Type 1 (AD); HypoPP. Identifiers: Orphanet 681, MedGen C3714580, MONDO:0042979, OMIM 170400.
Inborn genetic diseases. Identifiers: MedGen C0950123, MeSH D030342.

Allele frequency attached by ClinVar (database versions not stated): gnomAD 0.00004; gnomAD exomes 0.00004; ExAC 0.00005; TOPMed 0.00006.

Submissions (5):

CeGaT Center for Human Genetics Tuebingen
Classification: Uncertain significance. Last evaluated: 2026-07-01. Review status: criteria provided, single submitter. Criteria: CeGaT Center For Human Genetics Tuebingen Variant Classification Criteria Version 2. Collection method: clinical testing. Allele origin: germline. Affected: yes. Observed: 2 variant alleles.
Comment: CACNA1S: PM2

Labcorp Genetics (formerly Invitae), Labcorp
Classification: Benign for Hypokalemic periodic paralysis, type 1; Malignant hyperthermia, susceptibility to, 5. Last evaluated: 2026-01-04. Review status: criteria provided, single submitter. Criteria: Invitae Variant Classification Sherloc (09022015). Collection method: clinical testing. Allele origin: germline.

Ambry Genetics
Classification: Uncertain significance for Inborn genetic diseases. Last evaluated: 2025-05-28. Review status: criteria provided, single submitter. Criteria: Ambry Variant Classification Scheme 2023. Collection method: clinical testing. Allele origin: germline.

Color Diagnostics, LLC DBA Color Health
Classification: Uncertain significance for Malignant hyperthermia, susceptibility to, 5. Last evaluated: 2024-04-30. Review status: criteria provided, single submitter. Criteria: ACMG Guidelines, 2015. Collection method: clinical testing. Allele origin: germline.
Comment: This missense variant replaces arginine with glutamine at codon 29 of the CACNA1S protein. Computational prediction suggests that this variant may not impact protein structure and function. To our knowledge, functional studies have not been reported for this variant. This variant has not been reported in individuals affected with CACNA1S-related disorders in the literature. This variant has been identified in 10/282800 chromosomes in the general population by the Genome Aggregation Database (gnomAD). The available evidence is insufficient to determine the role of this variant in disease conclusively. Therefore, this variant is classified as a Variant of Uncertain Significance.

All of Us Research Program, National Institutes of Health
Classification: Uncertain significance for Malignant hyperthermia, susceptibility to, 5. Last evaluated: 2023-11-20. Review status: criteria provided, single submitter. Criteria: ACMG Guidelines, 2015. Collection method: clinical testing. Allele origin: germline. Inheritance: Autosomal dominant inheritance. Observed: 4 variant alleles, 4 heterozygotes.
Comment: This missense variant replaces arginine with glutamine at codon 29 of the CACNA1S protein. Computational prediction suggests that this variant may not impact protein structure and function (internally defined REVEL score threshold <= 0.5, PMID: 27666373). To our knowledge, functional studies have not been reported for this variant. This variant has not been reported in individuals affected with CACNA1S-related disorders in the literature. This variant has been identified in 10/282800 chromosomes in the general population by the Genome Aggregation Database (gnomAD). The available evidence is insufficient to determine the role of this variant in disease conclusively. Therefore, this variant is classified as a Variant of Uncertain Significance.

This study involves interpretation of variants in research participants for the purpose of population health screening. Participant phenotype was not available at the time of variant classification. Additional details can be found in publication PMID: 35346344, PMCID: PMC8962531